The following is an entry in ClinVar:

ClinVar aggregate classification (germline): Conflicting classifications of pathogenicity. Review status: criteria provided, conflicting classifications (1 of 4 stars). 5 submissions from 5 submitters: Uncertain significance (4); Likely benign (1). Last evaluated 2026-04-14.

Conditions:
Melnick-Needles syndrome (MNS). Also called: MELNICK-NEEDLES OSTEODYSPLASTY; OSTEODYSPLASTY OF MELNICK AND NEEDLES; Melnick-Needles Syndrome (FLNA-MNS). Identifiers: Orphanet 2484, MedGen C0025237, MONDO:0010650, OMIM 309350.
Frontometaphyseal dysplasia (FMD1). Identifiers: Orphanet 1826, MedGen C0265293, MONDO:0015942.
Heterotopia, periventricular, X-linked dominant (PVNH1). Also called: X-linked periventricular heterotopia; PERIVENTRICULAR NODULAR HETEROTOPIA 1; PERIVENTRICULAR NODULAR HETEROTOPIA 4; HETEROTOPIA, PERIVENTRICULAR, 1. Identifiers: Orphanet 2149, Orphanet 82004, MedGen C1848213, MONDO:0010233, OMIM 300049.
Oto-palato-digital syndrome, type II (OPD2). Also called: FACIOPALATOOSSEOUS SYNDROME; Otopalatodigital Syndrome, Type II; OPD II SYNDROME; Otopalatodigital Syndrome Type 2 (FLNA-OPD2). Identifiers: Orphanet 669, Orphanet 90652, MedGen C1844696, MONDO:0010571, OMIM 304120.
Familial thoracic aortic aneurysm and aortic dissection (TAAD). Also called: Thoracic aortic aneurysms and dissections. Identifiers: Orphanet 91387, MedGen C4707243, MONDO:0019625.

Allele frequency attached by ClinVar (database versions not stated): gnomAD 0.00001; gnomAD exomes 0.00001; TOPMed 0.00001.
gnomAD v4.1: 27 of 1,209,634 alleles (0.0022%); highest among the groups gnomAD compares: Non-Finnish European, 0.0029%; no homozygotes.

Submissions (5):

Ambry Genetics
Classification: Uncertain significance for Familial thoracic aortic aneurysm and aortic dissection. Last evaluated: 2026-04-14. Review status: criteria provided, single submitter. Criteria: Ambry Variant Classification Scheme 2023. Collection method: clinical testing. Allele origin: germline.
Comment: The p.V1566M variant (also known as c.4696G>A), located in coding exon 27 of the FLNA gene, results from a G to A substitution at nucleotide position 4696. The valine at codon 1566 is replaced by methionine, an amino acid with highly similar properties. Based on data from gnomAD, the A allele has an overall frequency of 0.0006% (1/179531) total alleles studied, with 0 hemizygote(s) observed. The highest observed frequency was 0.0013% (1/79990) of European (non-Finnish) alleles. This amino acid position is well conserved in available vertebrate species. In addition, this alteration is predicted to be deleterious by in silico analysis. Based on the available evidence, the clinical significance of this variant remains unclear.

Labcorp Genetics (formerly Invitae), Labcorp
Classification: Likely benign for Oto-palato-digital syndrome, type II; Heterotopia, periventricular, X-linked dominant; Frontometaphyseal dysplasia; Melnick-Needles syndrome. Last evaluated: 2025-09-23. Review status: criteria provided, single submitter. Criteria: Invitae Variant Classification Sherloc (09022015). Collection method: clinical testing. Allele origin: germline.

Blueprint Genetics
Classification: Uncertain significance. Last evaluated: 2024-09-12. Review status: criteria provided, single submitter. Criteria: ACMG Guidelines, 2015. Collection method: clinical testing. Allele origin: germline.

GeneDx
Classification: Uncertain significance. Last evaluated: 2023-03-05. Review status: criteria provided, single submitter. Criteria: GeneDx Variant Classification Process June 2021. Collection method: clinical testing. Allele origin: germline. Affected: yes.
Comment: In silico analysis supports that this missense variant has a deleterious effect on protein structure/function; Has not been previously published as pathogenic or benign to our knowledge

New York Genome Center
Classification: Uncertain significance for Heterotopia, periventricular, X-linked dominant. Last evaluated: 2020-05-05. Review status: criteria provided, single submitter. Criteria: NYGC Assertion Criteria 2020. Collection method: clinical testing. Allele origin: germline. Observed: 1 heterozygote. Study: CSER-NYCKidSeq.

NM_001110556.2(FLNA):c.4696G>A (p.Val1566Met)

Gene: FLNA (filamin A; minus strand). Cytogenetic location: Xq28.
Variant type: single nucleotide variant.
Coding change: c.4696G>A on transcript NM_001110556.2 (MANE Select); coding-DNA position 4696, G replaced by A.
Protein change: p.Val1566Met; replaces valine 1566 with methionine.
Molecular consequence: missense variant.
Genome position (GRCh38, 1-based): chrX:154,358,258, C>T on the plus strand (G>A on the coding strand, the complement: FLNA is on the minus strand). VCF-style: chrX-154358258-C-T. GRCh37 (hg19) VCF-style: chrX-153586626-C-T.
Other names: c.4696G>A, p.Val1566Met (NM_001456.4); short protein forms V1566M.
Identifiers: ClinVar variation 566852 (VCV000566852.15), dbSNP rs1181500076, ClinGen allele CA415214750.